The following is an entry in ClinVar:

ClinVar aggregate classification (germline): Likely benign. Review status: criteria provided, single submitter (1 of 4 stars). 3 submissions from 3 submitters: Likely benign (1). 2 of the submissions do not count toward it. Last evaluated 2023-05-01.

Conditions:
BNC2-related disorder. Also called: BNC2-related condition.
Hypotension. Also called: low blood pressure; Hypotensive disorder. Identifiers: MedGen C0020649, MONDO:0005468, HP:0002615, MeSH D007022.

Allele frequency attached by ClinVar (database versions not stated): gnomAD below 0.00001 and 0.00001; TOPMed 0.00002; ExAC 0.00003; gnomAD exomes 0.00003 and 0.00004.
gnomAD v4.1: 72 of 1,614,032 alleles (0.0045%); highest among the groups gnomAD compares: Middle Eastern, 0.13%; no homozygotes.

Submissions (3):

CeGaT Center for Human Genetics Tuebingen
Classification: Likely benign. Last evaluated: 2023-05-01. Review status: criteria provided, single submitter. Criteria: CeGaT Center For Human Genetics Tuebingen Variant Classification Criteria Version 2. Collection method: clinical testing. Allele origin: germline. Affected: yes. Observed: 1 variant allele.
Comment: BNC2: BP4, BP7

PreventionGenetics, part of Exact Sciences
Classification: Likely benign for BNC2-related condition. Last evaluated: 2019-06-21. Review status: no assertion criteria provided. Collection method: clinical testing. Allele origin: germline. Not counted in ClinVar's aggregate classification.
Comment: This variant is classified as likely benign based on ACMG/AMP sequence variant interpretation guidelines (Richards et al. 2015 PMID: 25741868, with internal and published modifications).

Centre for molecular medicine, Karolinska Institutet
No classification provided. Condition: Hypotension. Review status: no classification provided. Collection method: not provided. Allele origin: not provided. Not counted in ClinVar's aggregate classification.
Comment: hold until published

NM_017637.6(BNC2):c.1002A>G (p.Pro334=)

Gene: BNC2 (basonuclin zinc finger protein 2; minus strand). Cytogenetic location: 9p22.3.
Variant type: single nucleotide variant.
Coding change: c.1002A>G on transcript NM_017637.6 (MANE Select); coding-DNA position 1002, A replaced by G.
Protein change: p.Pro334=; no amino-acid change (proline 334 retained).
Molecular consequence: synonymous variant.
Genome position (GRCh38, 1-based): chr9:16,437,192, T>C on the plus strand (A>G on the coding strand, the complement: BNC2 is on the minus strand). VCF-style: chr9-16437192-T-C. GRCh37 (hg19) VCF-style: chr9-16437190-T-C.
Other names: c.876A>G, p.Pro292= (NM_001317939.2); c.717A>G, p.Pro239= (NM_001317940.2).
Identifiers: ClinVar variation 120226 (VCV000120226.26), dbSNP rs483353010, ClinGen allele CA204310.